The following is an entry in ClinVar:

NM_001253697.2(ERBIN):c.1862T>C (p.Ile621Thr)

Gene: ERBIN (erbb2 interacting protein; plus strand). Cytogenetic location: 5q12.3.
Variant type: single nucleotide variant.
Coding change: c.1862T>C on transcript NM_001253697.2 (MANE Select); coding-DNA position 1862, T replaced by C.
Protein change: p.Ile621Thr; replaces isoleucine 621 with threonine.
Molecular consequence: missense variant.
Genome position (GRCh38, 1-based): chr5:66,048,740, T>C. VCF-style: chr5-66048740-T-C. GRCh37 (hg19) VCF-style: chr5-65344568-T-C.
Other names: p.Ile621Thr; c.1862T>C (NM_001006600.2); c.1862T>C, p.Ile621Thr (NM_001006600.3, NM_001253698.2, NM_001253699.2 and 1 more transcripts); c.1850T>C, p.Ile617Thr (NM_001253701.2); short protein forms I617T, I621T.
Identifiers: ClinVar variation 1022193 (VCV001022193.10), dbSNP rs146472115, ClinGen allele CA3286363.
Genomic context (GRCh38, chr5:66,048,740, plus strand): 5'-TTTCTTCTGATGAAGAGATGAAAATGGCGGAGATGCGACCACCATTAATTGAAACCTCTA[T>C]TAACCAGCCAAAAGTCGTAGCACTTAGTAATAACAAAAAAGGTTAGATGTTAAAGGAAAG-3'
Protein context (NP_001240626.1, residues 611-631): EMRPPLIETS[Ile621Thr]NQPKVVALSN

ClinVar aggregate classification (germline): Conflicting classifications of pathogenicity. Review status: criteria provided, conflicting classifications (1 of 4 stars). 3 submissions from 3 submitters: Uncertain significance (1); Likely benign (1). 1 of the submissions does not count toward it. Last evaluated 2026-01-26.

Conditions:
ERBIN-related disorder. Also called: ERBIN-related condition.

Allele frequency attached by ClinVar (database versions not stated): 1000 Genomes Project 30x 0.00016; 1000 Genomes Project 0.00020; ExAC 0.00061; gnomAD exomes 0.00066 and 0.00149; TOPMed 0.00070; gnomAD 0.00085 and 0.00086; ESP Exome Variant Server 0.00100.
gnomAD v4.1: 2,250 of 1,607,922 alleles (0.14%); highest among the groups gnomAD compares: Non-Finnish European, 0.18%; 3 homozygotes.

Submissions (3):

Labcorp Genetics (formerly Invitae), Labcorp
Classification: Uncertain significance. Last evaluated: 2026-01-26. Review status: criteria provided, single submitter. Criteria: Invitae Variant Classification Sherloc (09022015). Collection method: clinical testing. Allele origin: germline.
Comment: This sequence change replaces isoleucine, which is neutral and non-polar, with threonine, which is neutral and polar, at codon 621 of the ERBIN protein (p.Ile621Thr). This variant is present in population databases (rs146472115, gnomAD 0.1%), and has an allele count higher than expected for a pathogenic variant. This variant has not been reported in the literature in individuals affected with ERBIN-related conditions. ClinVar contains an entry for this variant (Variation ID: 1022193). An algorithm developed to predict the effect of missense changes on protein structure and function (PolyPhen-2) suggests that this variant is likely to be disruptive. In summary, the available evidence is currently insufficient to determine the role of this variant in disease. Therefore, it has been classified as a Variant of Uncertain Significance.

Mayo Clinic Laboratories, Mayo Clinic
Classification: Likely benign. Last evaluated: 2025-10-01. Review status: criteria provided, single submitter. Criteria: ACMG Guidelines, 2015. Collection method: clinical testing. Allele origin: germline. Observed: 1 variant allele.
Comment: BS2, BP4

PreventionGenetics, part of Exact Sciences
Classification: Likely benign for ERBIN-related condition. Last evaluated: 2021-03-02. Review status: no assertion criteria provided. Collection method: clinical testing. Allele origin: germline. Not counted in ClinVar's aggregate classification.
Comment: This variant is classified as likely benign based on ACMG/AMP sequence variant interpretation guidelines (Richards et al. 2015 PMID: 25741868, with internal and published modifications).